The following is an entry in ClinVar:

ClinVar aggregate classification (germline): Uncertain significance (1 of 4 stars; one submission).

Conditions:
Hereditary spastic paraplegia 2 (SPG2). Also called: SPASTIC PARAPLEGIA 2, X-LINKED; Spastic Paraplegia 2 (SPG2). Identifiers: Orphanet 99015, MedGen C0751604, MONDO:0010733, OMIM 312920.

Allele frequency attached by ClinVar (database versions not stated): gnomAD exomes below 0.00001; gnomAD 0.00001; TOPMed 0.00001.
gnomAD v4.1: 3 of 1,208,802 alleles (0.00025%); highest among the groups gnomAD compares: African/African-American, 0.0053%; no homozygotes.

Submission:

Labcorp Genetics (formerly Invitae), Labcorp
Classification: Uncertain significance for Hereditary spastic paraplegia 2. Last evaluated: 2021-09-01. Review status: criteria provided, single submitter. Criteria: Invitae Variant Classification Sherloc (09022015). Collection method: clinical testing. Allele origin: germline.
Comment: This sequence change replaces valine with alanine at codon 12 of the PLP1 protein (p.Val12Ala). The valine residue is moderately conserved and there is a small physicochemical difference between valine and alanine. This variant is not present in population databases (ExAC no frequency). This variant has not been reported in the literature in individuals affected with PLP1-related conditions. Algorithms developed to predict the effect of missense changes on protein structure and function (SIFT, PolyPhen-2, Align-GVGD) all suggest that this variant is likely to be tolerated. In summary, the available evidence is currently insufficient to determine the role of this variant in disease. Therefore, it has been classified as a Variant of Uncertain Significance.

NM_000533.5(PLP1):c.35T>C (p.Val12Ala)

Genes: RAB9B (RAB9B, member RAS oncogene family; minus strand), PLP1 (proteolipid protein 1; plus strand). Cytogenetic location: Xq22.2.
Variant type: single nucleotide variant.
Coding change: c.35T>C on transcript NM_000533.5 (MANE Select); coding-DNA position 35, T replaced by C.
Protein change: p.Val12Ala; replaces valine 12 with alanine.
Molecular consequence: missense variant. On other transcripts: intron variant (1).
Genome position (GRCh38, 1-based): chrX:103,785,612, T>C. VCF-style: chrX-103785612-T-C. GRCh37 (hg19) VCF-style: chrX-103040541-T-C.
Other names: c.35T>C, p.Val12Ala (NM_001128834.3, NM_199478.3); c.5-135T>C (NM_001305004.1); short protein forms V12A.
Identifiers: ClinVar variation 576832 (VCV000576832.6), dbSNP rs1049312344, ClinGen allele CA334001106.